The following is an entry in ClinVar:

NM_001710.6(CFB):c.1158_1160del (p.Met387del)

Gene: CFB (complement factor B; plus strand). Cytogenetic location: 6p21.33.
Variant type: Deletion.
Coding change: c.1158_1160del on transcript NM_001710.6 (MANE Select); coding-DNA positions 1158 to 1160, 3 bases deleted (CAT; older notation c.1158_1160delCAT).
Protein change: p.Met387del; deletes methionine 387.
Molecular consequence: inframe deletion.
Genome position (GRCh38, 1-based): chr6:31,948,951-31,948,953, CAT deleted; deleting any 3 consecutive bases within chr6:31,948,950-31,948,953 gives the same sequence; the c. name uses the placement nearest the transcript's 3' end. VCF-style (leftmost placement, unchanged base first): chr6-31948949-CTCA-C. GRCh37 (hg19) VCF-style: chr6-31916726-CTCA-C.
Other names: short protein forms M387del.
Identifiers: ClinVar variation 1510392 (VCV001510392.8), dbSNP rs2151784594, ClinGen allele CA2573140253.

ClinVar aggregate classification (germline): Uncertain significance (1 of 4 stars; one submission).

Submission:

Labcorp Genetics (formerly Invitae), Labcorp
Classification: Uncertain significance. Last evaluated: 2022-09-27. Review status: criteria provided, single submitter. Criteria: Invitae Variant Classification Sherloc (09022015). Collection method: clinical testing. Allele origin: germline.
Comment: This variant, c.1158_1160del, results in the deletion of 1 amino acid(s) of the CFB protein (p.Met387del), but otherwise preserves the integrity of the reading frame. In summary, the available evidence is currently insufficient to determine the role of this variant in disease. Therefore, it has been classified as a Variant of Uncertain Significance. This variant is not present in population databases (gnomAD no frequency). This variant has not been reported in the literature in individuals affected with CFB-related conditions. ClinVar contains an entry for this variant (Variation ID: 1510392). Experimental studies and prediction algorithms are not available or were not evaluated, and the functional significance of this variant is currently unknown.